The following is an entry in ClinVar:

ClinVar aggregate classification (germline): Uncertain significance (1 of 4 stars; one submission).

Conditions:
Left ventricular noncompaction 8 (LVNC8). Identifiers: Orphanet 154, Orphanet 54260, MedGen C3809288, MONDO:0014152, OMIM 615373.

Submission:

Labcorp Genetics (formerly Invitae), Labcorp
Classification: Uncertain significance for Left ventricular noncompaction 8. Last evaluated: 2024-08-01. Review status: criteria provided, single submitter. Criteria: Invitae Variant Classification Sherloc (09022015). Collection method: clinical testing. Allele origin: germline.
Comment: This sequence change replaces alanine, which is neutral and non-polar, with glycine, which is neutral and non-polar, at codon 367 of the PRDM16 protein (p.Ala367Gly). This variant is not present in population databases (gnomAD no frequency). This variant has not been reported in the literature in individuals affected with PRDM16-related conditions. An algorithm developed to predict the effect of missense changes on protein structure and function (PolyPhen-2) suggests that this variant is likely to be disruptive. In summary, the available evidence is currently insufficient to determine the role of this variant in disease. Therefore, it has been classified as a Variant of Uncertain Significance.

NM_022114.4(PRDM16):c.1100C>G (p.Ala367Gly)

Gene: PRDM16 (PR/SET domain 16; plus strand). Cytogenetic location: 1p36.32.
Variant type: single nucleotide variant.
Coding change: c.1100C>G on transcript NM_022114.4 (MANE Select); coding-DNA position 1100, C replaced by G.
Protein change: p.Ala367Gly; replaces alanine 367 with glycine.
Molecular consequence: missense variant.
Genome position (GRCh38, 1-based): chr1:3,405,562, C>G. VCF-style: chr1-3405562-C-G. GRCh37 (hg19) VCF-style: chr1-3322126-C-G.
Other names: c.1100C>G, p.Ala367Gly (NM_199454.3); short protein forms A367G.
Identifiers: ClinVar variation 3669120 (VCV003669120.2).